The following is an entry in ClinVar:

ClinVar aggregate classification (germline): Uncertain significance (1 of 4 stars; one submission).

gnomAD v4.1: 13 of 1,614,006 alleles (0.00081%); highest among the groups gnomAD compares: Non-Finnish European, 0.0011%; no homozygotes.

Submission:

Women's Health and Genetics/Laboratory Corporation of America, LabCorp
Classification: Uncertain significance. Last evaluated: 2025-03-10. Review status: criteria provided, single submitter. Criteria: LabCorp Variant Classification Summary - May 2015. Collection method: clinical testing. Allele origin: germline.
Comment: Variant summary: SACS c.13136C>T (p.Thr4379Ile) results in a non-conservative amino acid change located in the DnaJ domain (IPR001623) of the encoded protein sequence. Three of five in-silico tools predict a benign effect of the variant on protein function. The variant was absent in 251322 control chromosomes. The available data on variant occurrences in the general population are insufficient to allow any conclusion about variant significance. To our knowledge, no occurrence of c.13136C>T in individuals affected with Charlevoix-Saguenay spastic ataxia and no experimental evidence demonstrating its impact on protein function have been reported. No submitters have cited clinical-significance assessments for this variant to ClinVar. Based on the evidence outlined above, the variant was classified as uncertain significance.

NM_014363.6(SACS):c.13136C>T (p.Thr4379Ile)

Gene: SACS (sacsin molecular chaperone; minus strand). Cytogenetic location: 13q12.12.
Variant type: single nucleotide variant.
Coding change: c.13136C>T on transcript NM_014363.6 (MANE Select); coding-DNA position 13136, C replaced by T.
Protein change: p.Thr4379Ile; replaces threonine 4379 with isoleucine.
Molecular consequence: missense variant.
Genome position (GRCh38, 1-based): chr13:23,330,740, G>A on the plus strand (C>T on the coding strand, the complement: SACS is on the minus strand). VCF-style: chr13-23330740-G-A. GRCh37 (hg19) VCF-style: chr13-23904879-G-A.
Other names: c.12695C>T, p.Thr4232Ile (NM_001278055.2); short protein forms T4232I, T4379I.
Identifiers: ClinVar variation 3895738 (VCV003895738.1).